The following is an entry in ClinVar:

NM_004380.3(CREBBP):c.5544C>G (p.His1848Gln)

Gene: CREBBP (CREB binding lysine acetyltransferase; minus strand). Cytogenetic location: 16p13.3.
Variant type: single nucleotide variant.
Coding change: c.5544C>G on transcript NM_004380.3 (MANE Select); coding-DNA position 5544, C replaced by G.
Protein change: p.His1848Gln; replaces histidine 1848 with glutamine.
Molecular consequence: missense variant.
Genome position (GRCh38, 1-based): chr16:3,729,503, G>C on the plus strand (C>G on the coding strand, the complement: CREBBP is on the minus strand). VCF-style: chr16-3729503-G-C. GRCh37 (hg19) VCF-style: chr16-3779504-G-C.
Other names: c.5430C>G, p.His1810Gln (NM_001079846.1); short protein forms H1810Q, H1848Q.
Identifiers: ClinVar variation 2499697 (VCV002499697.4), dbSNP rs775138594, ClinGen allele CA394556053.

ClinVar aggregate classification (germline): Uncertain significance. Review status: criteria provided, multiple submitters, no conflicts (2 of 4 stars). 3 submissions from 3 submitters: Uncertain significance (2). 1 of the submissions does not count toward it. Last evaluated 2025-06-05.

Conditions:
Menke-Hennekam syndrome 1 (MKHK1). Identifiers: MedGen C5193034, MONDO:0020763, OMIM 618332.
Rubinstein-Taybi syndrome due to CREBBP mutations (RSTS1). Also called: RUBINSTEIN-TAYBI SYNDROME 1, INCOMPLETE; BROAD THUMB-HALLUX SYNDROME; Rubinstein-Taybi syndrome 1; CREBBP-Related Rubinstein-Taybi Syndrome; RUBINSTEIN SYNDROME; BROAD THUMBS AND GREAT TOES, CHARACTERISTIC FACIES, AND IMPAIRED INTELLECTUAL DEVELOPMENT. Identifiers: Orphanet 353277, Orphanet 783, MedGen C4551859, MONDO:0008393, OMIM 180849.
CREBBP-related disorder. Also called: CREBBP-related disorders; CREBBP-related condition.

gnomAD v4.1: 2 of 1,614,102 alleles (0.00012%); highest among the groups gnomAD compares: African/African-American, 0.0027%; no homozygotes.

Submissions (3):

GeneDx
Classification: Uncertain significance. Last evaluated: 2025-06-05. Review status: criteria provided, single submitter. Criteria: GeneDx Variant Classification Process June 2021. Collection method: clinical testing. Allele origin: germline.
Comment: Not observed at significant frequency in large population cohorts (gnomAD); In silico analysis supports that this missense variant has a deleterious effect on protein structure/function; Has not been previously published as pathogenic or benign to our knowledge; This variant is associated with the following publications: (PMID: 27311832)

Fulgent Genetics
Classification: Uncertain significance for Rubinstein-Taybi syndrome due to CREBBP mutations; Menke-Hennekam syndrome 1. Last evaluated: 2024-02-01. Review status: criteria provided, single submitter. Criteria: ACMG Guidelines, 2015. Collection method: clinical testing. Allele origin: germline.

PreventionGenetics, part of Exact Sciences
Classification: Uncertain significance for CREBBP-related condition. Last evaluated: 2024-04-26. Review status: no assertion criteria provided. Collection method: clinical testing. Allele origin: germline. Not counted in ClinVar's aggregate classification.
Comment: The CREBBP c.5544C>G variant is predicted to result in the amino acid substitution p.His1848Gln. To our knowledge, this variant has not been reported in the literature or in a large population database, indicating this variant is rare. At this time, the clinical significance of this variant is uncertain due to the absence of conclusive functional and genetic evidence.